The following is an entry in ClinVar:

ClinVar aggregate classification (germline): Likely pathogenic (1 of 4 stars; one submission).

Conditions:
Coffin-Lowry syndrome (CLS). Also called: Mental retardation with osteocartilaginous abnormalities; COFFIN-LOWRY SYNDROME, MILD. Identifiers: Orphanet 192, MedGen C0265252, MONDO:0010561, OMIM 303600.

Submission:

Undiagnosed Diseases Network, NIH
Classification: Likely pathogenic for Coffin-Lowry syndrome. Last evaluated: 2017-03-31. Review status: criteria provided, single submitter. Criteria: ACMG Guidelines, 2015. Collection method: clinical testing. Allele origin: de novo. Inheritance: X-linked inheritance. Affected: yes. Observed: 1 variant allele, 1 heterozygote. Study: Undiagnosed Diseases Network (NIH), UDN.

NM_004586.3(RPS6KA3):c.646A>G (p.Lys216Glu)

Gene: RPS6KA3 (ribosomal protein S6 kinase A3; minus strand). Cytogenetic location: Xp22.12.
Variant type: single nucleotide variant.
Coding change: c.646A>G on transcript NM_004586.3 (MANE Select); coding-DNA position 646, A replaced by G.
Protein change: p.Lys216Glu; replaces lysine 216 with glutamic acid.
Molecular consequence: missense variant.
Genome position (GRCh38, 1-based): chrX:20,187,956, T>C on the plus strand (A>G on the coding strand, the complement: RPS6KA3 is on the minus strand). VCF-style: chrX-20187956-T-C. GRCh37 (hg19) VCF-style: chrX-20206074-T-C.
Other names: short protein forms K216E.
Identifiers: ClinVar variation 522803 (VCV000522803.3), dbSNP rs1555939456, ClinGen allele CA412508620.